The following is an entry in ClinVar:

NM_130837.3(OPA1):c.1306-6G>A

Gene: OPA1 (OPA1 mitochondrial dynamin like GTPase; plus strand). Cytogenetic location: 3q29.
Variant type: single nucleotide variant.
Coding change: c.1306-6G>A on transcript NM_130837.3 (MANE Select); 6 bases into the intron before coding-DNA position 1306, G replaced by A.
Molecular consequence: intron variant.
Genome position (GRCh38, 1-based): chr3:193,643,367, G>A. VCF-style: chr3-193643367-G-A. GRCh37 (hg19) VCF-style: chr3-193361156-G-A.
Other names: c.769-6G>A (NM_001354664.2); c.772-6G>A (NM_001354663.2); c.1195-6G>A (NM_130834.3); c.1252-6G>A (NM_130836.3); c.1141-6G>A (NM_015560.3); c.1198-6G>A (NM_130835.3); c.1087-6G>A (NM_130832.3); c.1144-6G>A (NM_130833.3); and 1 more.
Identifiers: ClinVar variation 2022819 (VCV002022819.4), dbSNP rs747110767, ClinGen allele CA2759350.

ClinVar aggregate classification (germline): Uncertain significance (1 of 4 stars; one submission).

Allele frequency attached by ClinVar (database versions not stated): gnomAD exomes below 0.00001; ExAC 0.00001.
gnomAD v4.1: 2 of 1,601,858 alleles (0.00012%); highest among the groups gnomAD compares: South Asian, 0.0011%; no homozygotes.

Submission:

Labcorp Genetics (formerly Invitae), Labcorp
Classification: Uncertain significance. Last evaluated: 2022-09-02. Review status: criteria provided, single submitter. Criteria: Invitae Variant Classification Sherloc (09022015). Collection method: clinical testing. Allele origin: germline.
Comment: In summary, the available evidence is currently insufficient to determine the role of this variant in disease. Therefore, it has been classified as a Variant of Uncertain Significance. Algorithms developed to predict the effect of sequence changes on RNA splicing suggest that this variant may create or strengthen a splice site. This variant has not been reported in the literature in individuals affected with OPA1-related conditions. This variant is present in population databases (rs747110767, gnomAD 0.003%). This sequence change falls in intron 11 of the OPA1 gene. It does not directly change the encoded amino acid sequence of the OPA1 protein.